The following is an entry in ClinVar:

NM_017882.3(CLN6):c.427C>T (p.Gln143Ter)

Gene: CLN6 (CLN6 transmembrane ER protein; minus strand). Cytogenetic location: 15q23.
Variant type: single nucleotide variant.
Coding change: c.427C>T on transcript NM_017882.3 (MANE Select); coding-DNA position 427, C replaced by T.
Protein change: p.Gln143Ter; replaces glutamine 143 with a stop codon.
Molecular consequence: nonsense.
Genome position (GRCh38, 1-based): chr15:68,211,734, G>A on the plus strand (C>T on the coding strand, the complement: CLN6 is on the minus strand). VCF-style: chr15-68211734-G-A. GRCh37 (hg19) VCF-style: chr15-68504072-G-A.
Other names: short protein forms Q143*.
Identifiers: ClinVar variation 984029 (VCV000984029.4), dbSNP rs2093205953, ClinGen allele CA392973428.

ClinVar aggregate classification (germline): Likely pathogenic (1 of 4 stars; one submission).

Conditions:
Neuronal ceroid lipofuscinosis. Also called: Neuronal Ceroid Lipofuscinoses. Identifiers: Orphanet 216, Orphanet 79263, MedGen C0027877, MONDO:0016295. Disease mechanism: loss of function.

Submission:

Myriad Genetics, Inc.
Classification: Likely pathogenic for Neuronal ceroid lipofuscinosis. Last evaluated: 2019-05-30. Review status: criteria provided, single submitter. Criteria: Myriad Autosomal Dominant, Autosomal Recessive and X-Linked Classification Criteria (2023). Collection method: clinical testing. Allele origin: unknown.
Comment: NM_017882.2(CLN6):c.427C>T(Q143*) is expected to be pathogenic in the context of CLN6-related neuronal ceroid lipofuscinosis. This variant is predicted to lead to an abnormal or absent protein product due to the creation of a premature termination codon in CLN6, a gene where loss-of-function variants are known to be pathogenic. Please note: this variant was assessed in the context of healthy population screening.